The following is an entry in ClinVar:

ClinVar aggregate classification (germline): Uncertain significance (1 of 4 stars; one submission).

Submission:

Labcorp Genetics (formerly Invitae), Labcorp
Classification: Uncertain significance. Last evaluated: 2022-03-10. Review status: criteria provided, single submitter. Criteria: Invitae Variant Classification Sherloc (09022015). Collection method: clinical testing. Allele origin: germline.
Comment: This sequence change replaces asparagine, which is neutral and polar, with tyrosine, which is neutral and polar, at codon 1240 of the COL4A3 protein (p.Asn1240Tyr). This variant is not present in population databases (gnomAD no frequency). This variant has not been reported in the literature in individuals affected with COL4A3-related conditions. Advanced modeling of protein sequence and biophysical properties (such as structural, functional, and spatial information, amino acid conservation, physicochemical variation, residue mobility, and thermodynamic stability) performed at Invitae indicates that this missense variant is not expected to disrupt COL4A3 protein function. In summary, the available evidence is currently insufficient to determine the role of this variant in disease. Therefore, it has been classified as a Variant of Uncertain Significance.

NM_000091.5(COL4A3):c.3718A>T (p.Asn1240Tyr)

Genes: COL4A3 (collagen type IV alpha 3 chain; plus strand), MFF-DT (MFF divergent transcript; minus strand). Cytogenetic location: 2q36.3.
Variant type: single nucleotide variant.
Coding change: c.3718A>T on transcript NM_000091.5 (MANE Select); coding-DNA position 3718, A replaced by T.
Protein change: p.Asn1240Tyr; replaces asparagine 1240 with tyrosine.
Molecular consequence: missense variant.
Genome position (GRCh38, 1-based): chr2:227,297,826, A>T. VCF-style: chr2-227297826-A-T. GRCh37 (hg19) VCF-style: chr2-228162542-A-T.
Other names: short protein forms N1240Y.
Identifiers: ClinVar variation 1927210 (VCV001927210.2), dbSNP rs2469880584, ClinGen allele CA350860429.